The following is an entry in ClinVar:

ClinVar aggregate classification (germline): Uncertain significance (1 of 4 stars; one submission).

Allele frequency attached by ClinVar (database versions not stated): gnomAD exomes below 0.00001.
gnomAD v4.1: 1 of 1,613,742 alleles (0.000062%); highest among the groups gnomAD compares: Non-Finnish European, 0.000085%; no homozygotes.

Submission:

Labcorp Genetics (formerly Invitae), Labcorp
Classification: Uncertain significance. Last evaluated: 2022-08-20. Review status: criteria provided, single submitter. Criteria: Invitae Variant Classification Sherloc (09022015). Collection method: clinical testing. Allele origin: germline.
Comment: This variant is not present in population databases (gnomAD no frequency). This sequence change replaces arginine, which is basic and polar, with serine, which is neutral and polar, at codon 1034 of the MBTPS1 protein (p.Arg1034Ser). This variant has not been reported in the literature in individuals affected with MBTPS1-related conditions. Algorithms developed to predict the effect of missense changes on protein structure and function are either unavailable or do not agree on the potential impact of this missense change (SIFT: "Tolerated"; PolyPhen-2: "Probably Damaging"; Align-GVGD: "Class C0"). In summary, the available evidence is currently insufficient to determine the role of this variant in disease. Therefore, it has been classified as a Variant of Uncertain Significance.

NM_003791.4(MBTPS1):c.3102G>C (p.Arg1034Ser)

Gene: MBTPS1 (membrane bound transcription factor peptidase, site 1; minus strand). Cytogenetic location: 16q23.3.
Variant type: single nucleotide variant.
Coding change: c.3102G>C on transcript NM_003791.4 (MANE Select); coding-DNA position 3102, G replaced by C.
Protein change: p.Arg1034Ser; replaces arginine 1034 with serine.
Molecular consequence: missense variant.
Genome position (GRCh38, 1-based): chr16:84,054,506, C>G on the plus strand (G>C on the coding strand, the complement: MBTPS1 is on the minus strand). VCF-style: chr16-84054506-C-G. GRCh37 (hg19) VCF-style: chr16-84088111-C-G.
Other names: short protein forms R1034S.
Identifiers: ClinVar variation 2098661 (VCV002098661.4), dbSNP rs1297617230, ClinGen allele CA396923753.